The following is an entry in ClinVar:

ClinVar aggregate classification (germline): Uncertain significance (1 of 4 stars; one submission).

Submission:

GeneDx
Classification: Uncertain significance. Last evaluated: 2023-02-08. Review status: criteria provided, single submitter. Criteria: GeneDx Variant Classification Process June 2021. Collection method: clinical testing. Allele origin: germline. Affected: yes.
Comment: Not observed at significant frequency in large population cohorts (gnomAD); Frameshift variant predicted to result in protein truncation as the last 34 amino acids are replaced with 20 different amino acids, although loss-of-function variants have not been reported downstream of this position in the protein; Has not been previously published as pathogenic or benign to our knowledge

NM_003104.6(SORD):c.970del (p.His324fs)

Gene: SORD (sorbitol dehydrogenase; plus strand). Cytogenetic location: 15q21.1.
Variant type: Deletion.
Coding change: c.970del on transcript NM_003104.6 (MANE Select); coding-DNA position 970, one base deleted (C; older notation c.970delC).
Protein change: p.His324fs; shifts the reading frame from histidine 324.
Molecular consequence: frameshift variant. On other transcripts: non-coding transcript variant (1).
Genome position (GRCh38, 1-based): chr15:45,073,426, C deleted; the last of 3 consecutive C bases (chr15:45,073,424-45,073,426); deleting any one gives the same sequence. VCF-style (leftmost placement, unchanged base first): chr15-45073423-AC-A. GRCh37 (hg19) VCF-style: chr15-45365621-AC-A.
Other names: short protein forms H324fs.
Identifiers: ClinVar variation 2575791 (VCV002575791.1), dbSNP rs755765475, ClinGen allele CA7537393.
Genomic context (GRCh38, chr15:45,073,423, plus strand): 5'-AGGTGGCCAGTGGCGATTTCGATGCTTGCGTCCAAGTCTGTGAATGTAAAACCCCTCGTC[AC>A]CCATAGGTTTCCTCTGGAGAAAGCTCTGGAGGCCTTTGAAACATTTAAAAAGGGATTGGG-3'